The following is an entry in ClinVar:

ClinVar aggregate classification (germline): Benign/Likely benign. Review status: criteria provided, multiple submitters, no conflicts (2 of 4 stars). 2 submissions from 2 submitters: Benign (1); Likely benign (1). Last evaluated 2026-07-11.

Conditions:
Familial cancer of breast. Also called: BREAST CANCER, FAMILIAL; Hereditary breast cancer; hereditary breast carcinoma. Identifiers: Orphanet 227535, MedGen C0346153, MONDO:0016419, OMIM 114480. Disease mechanism: loss of function.
Hereditary cancer-predisposing syndrome. Also called: Hereditary Cancer Syndrome; Hereditary neoplastic syndrome; Neoplastic Syndromes, Hereditary; Tumor predisposition. Identifiers: Orphanet 140162, MedGen C0027672, MeSH D009386, MONDO:0015356.

Submissions (2):

Ambry Genetics
Classification: Likely benign for Hereditary cancer-predisposing syndrome. Last evaluated: 2026-07-11. Review status: criteria provided, single submitter. Criteria: Ambry Variant Classification Scheme 2023. Collection method: clinical testing. Allele origin: germline.

Myriad Genetics, Inc.
Classification: Benign for Familial cancer of breast. Last evaluated: 2025-01-21. Review status: criteria provided, single submitter. Criteria: Myriad Autosomal Dominant, Autosomal Recessive and X-Linked Classification Criteria (2023). Collection method: clinical testing. Allele origin: unknown.
Comment: This variant is considered benign. This variant is a silent/synonymous amino acid change and it is not expected to impact splicing.

NM_024675.4(PALB2):c.3012A>G (p.Gln1004=)

Gene: PALB2 (partner and localizer of BRCA2; minus strand). Cytogenetic location: 16p12.2.
Variant type: single nucleotide variant.
Coding change: c.3012A>G on transcript NM_024675.4 (MANE Select); coding-DNA position 3012, A replaced by G.
Protein change: p.Gln1004=; no amino-acid change (glutamine 1004 retained).
Molecular consequence: synonymous variant. On other transcripts: intron variant (1).
Genome position (GRCh38, 1-based): chr16:23,621,463, T>C on the plus strand (A>G on the coding strand, the complement: PALB2 is on the minus strand). VCF-style: chr16-23621463-T-C. GRCh37 (hg19) VCF-style: chr16-23632784-T-C.
Other names: c.2127A>G, p.Gln709= (NM_001407305.1, NM_001407306.1, NM_001407308.1 and 4 more transcripts); c.1965A>G, p.Gln655= (NM_001407307.1); c.1224A>G, p.Gln408= (NM_001407312.1, NM_001407313.1); c.546A>G, p.Gln182= (NM_001407314.1); c.2834+2546A>G (NM_001407300.1); c.2952A>G, p.Gln984= (NM_001407296.1); c.2940A>G, p.Gln980= (NM_001407297.1); c.2850A>G, p.Gln950= (NM_001407298.1, NM_001407302.1); and 1 more.
Identifiers: ClinVar variation 3903542 (VCV003903542.2).
Genomic context (GRCh38, chr16:23,621,463, plus strand): 5'-TTCTTGCATCCCTTGGACCTCAGCAAAAGTTAGTATAGTCTCCTCAGGGGGCATCAAAAA[T>C]TGGTTTTCTTTGCCTCTGTAATTAAAACAGTATGAAAAGTCAGTACTTTGCACTAAAGCA-3'
Protein context (NP_078951.2, residues 994-1014): FAEDGGGKEN[Gln1004=]FLMPPEETIL